The following is an entry in ClinVar:

NM_016492.5(RANGRF):c.242A>G (p.His81Arg)

Genes: RANGRF (RAN guanine nucleotide release factor; plus strand), SLC25A35 (solute carrier family 25 member 35; minus strand). Cytogenetic location: 17p13.1.
Variant type: single nucleotide variant.
Coding change: c.242A>G on transcript NM_016492.5 (MANE Select); coding-DNA position 242, A replaced by G.
Protein change: p.His81Arg; replaces histidine 81 with arginine.
Molecular consequence: missense variant. On other transcripts: 3 prime UTR variant (2), non-coding transcript variant (2), intron variant (1).
Genome position (GRCh38, 1-based): chr17:8,289,305, A>G. VCF-style: chr17-8289305-A-G. GRCh37 (hg19) VCF-style: chr17-8192623-A-G.
Other names: c.242A>G, p.His81Arg (NM_001177801.2, NM_001177802.2, NM_001330127.2); c.*178T>C (NM_001320872.2); c.*311T>C (NM_201520.3); c.*42+269T>C (NM_001320871.2); short protein forms H81R.
Identifiers: ClinVar variation 2146131 (VCV002146131.4), dbSNP rs201506936, ClinGen allele CA8374376.

ClinVar aggregate classification (germline): Uncertain significance. Review status: criteria provided, multiple submitters, no conflicts (2 of 4 stars). 2 submissions from 2 submitters: Uncertain significance (2). Last evaluated 2025-11-24.

Conditions:
Cardiac arrhythmia. Also called: Cardiac rhythm disease; Arrhythmia. Identifiers: MedGen C0003811, MONDO:0007263, HP:0011675.

Allele frequency attached by ClinVar (database versions not stated): ExAC 0.00001; ESP Exome Variant Server 0.00008; gnomAD 0.00002; TOPMed 0.00002.
gnomAD v4.1: 46 of 1,613,970 alleles (0.0029%); highest among the groups gnomAD compares: Non-Finnish European, 0.0035%; no homozygotes.

Submissions (2):

Labcorp Genetics (formerly Invitae), Labcorp
Classification: Uncertain significance for Cardiac arrhythmia. Last evaluated: 2025-11-24. Review status: criteria provided, single submitter. Criteria: Invitae Variant Classification Sherloc (09022015). Collection method: clinical testing. Allele origin: germline.
Comment: This sequence change replaces histidine, which is basic and polar, with arginine, which is basic and polar, at codon 81 of the RANGRF protein (p.His81Arg). This variant is present in population databases (rs201506936, gnomAD 0.007%). This variant has not been reported in the literature in individuals affected with RANGRF-related conditions. ClinVar contains an entry for this variant (Variation ID: 2146131). An algorithm developed to predict the effect of missense changes on protein structure and function (PolyPhen-2) suggests that this variant is likely to be tolerated. In summary, the available evidence is currently insufficient to determine the role of this variant in disease. Therefore, it has been classified as a Variant of Uncertain Significance.

Ambry Genetics
Classification: Uncertain significance. Last evaluated: 2025-11-20. Review status: criteria provided, single submitter. Criteria: Ambry Variant Classification Scheme 2023. Collection method: clinical testing. Allele origin: germline.